The following is an entry in ClinVar:

ClinVar aggregate classification (germline): Conflicting classifications of pathogenicity. Review status: criteria provided, conflicting classifications (1 of 4 stars). 7 submissions from 7 submitters: Uncertain significance (6); Likely benign (1). Last evaluated 2025-06-11.

Conditions:
Hereditary cancer-predisposing syndrome. Also called: Neoplastic Syndromes, Hereditary; Tumor predisposition; Hereditary Cancer Syndrome; Hereditary neoplastic syndrome. Identifiers: Orphanet 140162, MedGen C0027672, MeSH D009386, MONDO:0015356.
BRCA1-related cancer predisposition. Identifiers: MedGen CN377757, MONDO:0700268.
Hereditary breast ovarian cancer syndrome. Also called: Hereditary breast and ovarian cancer syndrome; Hereditary breast and ovarian cancer; Hereditary breast and ovarian cancer syndrome (HBOC); Breast and ovarian cancer; Hereditary breast and/or ovarian cancer syndrome; BRCA1- and BRCA2-Associated Hereditary Breast and Ovarian Cancer. Identifiers: Orphanet 145, MedGen C0677776, MeSH D061325, MONDO:0003582. Disease mechanism: loss of function.
Fanconi anemia, complementation group S (FANCS). Identifiers: MedGen C4554406, MONDO:0054748, OMIM 617883.

Allele frequency attached by ClinVar (database versions not stated): gnomAD exomes below 0.00001; gnomAD 0.00001.
gnomAD v4.1: 2 of 1,613,880 alleles (0.00012%); highest among the groups gnomAD compares: Admixed American, 0.0033%; no homozygotes.

Submissions (7):

Ambry Genetics
Classification: Uncertain significance for Hereditary cancer-predisposing syndrome. Last evaluated: 2025-06-11. Review status: criteria provided, single submitter. Criteria: Ambry Variant Classification Scheme 2023. Collection method: clinical testing. Allele origin: germline.
Comment: The p.C994Y variant (also known as c.2981G>A), located in coding exon 9 of the BRCA1 gene, results from a G to A substitution at nucleotide position 2981. The cysteine at codon 994 is replaced by tyrosine, an amino acid with highly dissimilar properties. This amino acid position is not well conserved in available vertebrate species. In addition, this alteration is predicted to be tolerated by in silico analysis. Based on the available evidence, the clinical significance of this variant remains unclear.

Labcorp Genetics (formerly Invitae), Labcorp
Classification: Uncertain significance for Hereditary breast ovarian cancer syndrome. Last evaluated: 2024-11-03. Review status: criteria provided, single submitter. Criteria: Invitae Variant Classification Sherloc (09022015). Collection method: clinical testing. Allele origin: germline.
Comment: This sequence change replaces cysteine, which is neutral and slightly polar, with tyrosine, which is neutral and polar, at codon 994 of the BRCA1 protein (p.Cys994Tyr). This variant is present in population databases (no rsID available, gnomAD 0.003%). This missense change has been observed in individual(s) with clinical features of BRCA1-related conditions (PMID: 21520333). ClinVar contains an entry for this variant (Variation ID: 482925). Invitae Evidence Modeling of protein sequence and biophysical properties (such as structural, functional, and spatial information, amino acid conservation, physicochemical variation, residue mobility, and thermodynamic stability) indicates that this missense variant is not expected to disrupt BRCA1 protein function with a negative predictive value of 80%. In summary, the available evidence is currently insufficient to determine the role of this variant in disease. Therefore, it has been classified as a Variant of Uncertain Significance.

GeneDx
Classification: Uncertain significance. Last evaluated: 2024-05-13. Review status: criteria provided, single submitter. Criteria: GeneDx Variant Classification Process June 2021. Collection method: clinical testing. Allele origin: germline. Affected: yes.
Comment: Identified in individuals referred for multi-gene panel testing with personal or family history of cancer (PMID: 31853058); Not observed at significant frequency in large population cohorts (gnomAD); In silico analysis supports that this missense variant has a deleterious effect on protein structure/function; Also known as 3100G>A; This variant is associated with the following publications: (PMID: 25925381, 32377563, 29884841, 15343273, 31853058)

All of Us Research Program, National Institutes of Health
Classification: Uncertain significance for BRCA1-related cancer predisposition. Last evaluated: 2024-03-24. Review status: criteria provided, single submitter. Criteria: ACMG Guidelines, 2015. Collection method: clinical testing. Allele origin: germline. Inheritance: Autosomal dominant inheritance. Observed: 1 variant allele, 1 heterozygote.
Comment: This missense variant replaces cysteine with tyrosine at codon 994 of the BRCA1 protein. Computational prediction suggests that this variant may not impact protein structure and function (internally defined REVEL score threshold <= 0.5, PMID: 27666373). To our knowledge, functional studies have not been reported for this variant. This variant has not been reported in individuals affected with hereditary cancer in the literature. This variant has been identified in 1/250458 chromosomes in the general population by the Genome Aggregation Database (gnomAD). The available evidence is insufficient to determine the role of this variant in disease conclusively. Therefore, this variant is classified as a Variant of Uncertain Significance.

This study involves interpretation of variants in research participants for the purpose of population health screening. Participant phenotype was not available at the time of variant classification. Additional details can be found in publication PMID: 35346344, PMCID: PMC8962531

Color Diagnostics, LLC DBA Color Health
Classification: Uncertain significance for Hereditary cancer-predisposing syndrome. Last evaluated: 2024-02-22. Review status: criteria provided, single submitter. Criteria: ACMG Guidelines, 2015. Collection method: clinical testing. Allele origin: germline.
Comment: This missense variant replaces cysteine with tyrosine at codon 994 of the BRCA1 protein. Computational prediction suggests that this variant may not impact protein structure and function. To our knowledge, functional studies have not been reported for this variant. This variant has not been reported in individuals affected with hereditary cancer in the literature. This variant has been identified in 1/250458 chromosomes in the general population by the Genome Aggregation Database (gnomAD). The available evidence is insufficient to determine the role of this variant in disease conclusively. Therefore, this variant is classified as a Variant of Uncertain Significance.

University of Washington Department of Laboratory Medicine, University of Washington
Classification: Likely benign for Hereditary cancer-predisposing syndrome. Last evaluated: 2023-03-23. Review status: criteria provided, single submitter. Criteria: Dines et al. (Genet Med. 2020). Collection method: curation. Allele origin: germline.
Comment: Missense variant in a coldspot region where missense variants are very unlikely to be pathogenic (PMID:31911673).

BRCA1 coldspot (exon 11 using historical exon numbering). Reclassification based on statistical prior probability

Department of Pathology and Laboratory Medicine, Sinai Health System
Classification: Uncertain significance for Fanconi anemia, complementation group S. Last evaluated: 2022-07-11. Review status: criteria provided, single submitter. Criteria: ACMG Guidelines, 2015. Collection method: clinical testing. Allele origin: germline.

Literature cited by the submitters: PubMed 21520333 (cited by Labcorp Genetics (formerly Invitae), Labcorp).

NM_007294.4(BRCA1):c.2981G>A (p.Cys994Tyr)

Gene: BRCA1 (BRCA1 DNA repair associated; minus strand). Cytogenetic location: 17q21.31.
Variant type: single nucleotide variant.
Coding change: c.2981G>A on transcript NM_007294.4 (MANE Select); coding-DNA position 2981, G replaced by A.
Protein change: p.Cys994Tyr; replaces cysteine 994 with tyrosine.
Molecular consequence: missense variant. On other transcripts: intron variant (137).
Genome position (GRCh38, 1-based): chr17:43,092,550, C>T on the plus strand (G>A on the coding strand, the complement: BRCA1 is on the minus strand). VCF-style: chr17-43092550-C-T. GRCh37 (hg19) VCF-style: chr17-41244567-C-T.
Other names: c.2981G>A, p.Cys994Tyr (NM_001407652.1, NM_001407684.1, NM_001407854.1 and 30 more transcripts); c.2903G>A, p.Cys968Tyr (NM_001407653.1, NM_001407654.1, NM_001407655.1 and 4 more transcripts); c.2900G>A, p.Cys967Tyr (NM_001407659.1, NM_001407660.1, NM_001407661.1 and 1 more transcripts); c.2858G>A, p.Cys953Tyr (NM_001407664.1, NM_001407665.1, NM_001407666.1 and 19 more transcripts); c.2855G>A, p.Cys952Tyr (NM_001407670.1, NM_001407671.1, NM_001407672.1 and 11 more transcripts); c.2840G>A, p.Cys947Tyr (NM_001407692.1, NM_001407694.1, NM_001407695.1 and 29 more transcripts); c.2837G>A, p.Cys946Tyr (NM_001407740.1, NM_001407741.1, NM_001407742.1 and 20 more transcripts); c.2768G>A, p.Cys923Tyr (NM_001407853.1, NM_001407894.1, NM_001407895.1 and 9 more transcripts); and 41 more; short protein forms C994Y, C947Y, C906Y, C924Y, C927Y, C953Y, C967Y, C698Y.
Identifiers: ClinVar variation 482925 (VCV000482925.26), dbSNP rs1238452758, ClinGen allele CA10596038.